The following continues an entry in ClinVar:

NM_004004.6(GJB2):c.176_191del (p.Gly59fs)

Gene: GJB2. ClinVar aggregate classification (germline): Pathogenic. Pathogenic (15).

Submissions 7 to 17 of 17:

Fulgent Genetics
Classification: Pathogenic for Mutilating keratoderma; Autosomal dominant keratitis-ichthyosis-hearing loss syndrome; Palmoplantar keratoderma-deafness syndrome; Knuckle pads, deafness AND leukonychia syndrome; Autosomal recessive nonsyndromic hearing loss 1A; Autosomal dominant nonsyndromic hearing loss 3A. Last evaluated: 2024-05-31. Review status: criteria provided, single submitter. Criteria: ACMG Guidelines, 2015. Collection method: clinical testing. Allele origin: germline.

Blueprint Genetics
Classification: Pathogenic for GJB2-related disorders. Last evaluated: 2023-07-04. Review status: criteria provided, single submitter. Criteria: ACMG Guidelines, 2015. Collection method: clinical testing. Allele origin: germline. Affected: yes. Observed: 5 variant alleles.

3billion
Classification: Pathogenic for Autosomal recessive nonsyndromic hearing loss 1A. Last evaluated: 2022-09-01. Review status: criteria provided, single submitter. Criteria: ACMG Guidelines, 2015. Collection method: clinical testing. Allele origin: germline. Affected: yes. Observed: 1 heterozygote.
Comment: The variant is observed at an extremely low frequency in the gnomAD v2.1.1 dataset (total allele frequency: 0.001%). Frameshift variant is predicted to result in a loss or disruption of normal protein function through protein truncation. Multiple pathogenic variants are reported in the predicted truncated region. The variant has been reported at least twice as pathogenic with clinical assertions and evidence for the classification (ClinVar ID: VCV000284906 / PMID: 10633133 / 3billion dataset). Therefore, this variant is classified as Pathogenic according to the recommendation of ACMG/AMP guideline.

GeneDx
Classification: Pathogenic. Last evaluated: 2022-07-12. Review status: criteria provided, single submitter. Criteria: GeneDx Variant Classification Process June 2021. Collection method: clinical testing. Allele origin: germline. Affected: yes.
Comment: Frameshift variant predicted to result in protein truncation, as the last 168 amino acids are replaced with 17 different amino acids, and other loss-of-function variants have been reported downstream in the Human Gene Mutation Database (HGMD); This variant is associated with the following publications: (PMID: 25388846, 20095872, 19043807, 26043044, 19125024, 26037344, 28583500, 29665173, 25266519, 24224790, 24100002, 10633133, 29741433, 10607953, 30589569, 24737404, 31564438, 34416374, 30275481, 29871260, 19366456, 33597575, 28489599, 30693673, 30036422, 30146550, 31541171, 30282152, 29760218)

Women's Health and Genetics/Laboratory Corporation of America, LabCorp
Classification: Pathogenic for Deafness, autosomal recessive 1A. Last evaluated: 2020-12-10. Review status: criteria provided, single submitter. Criteria: LabCorp Variant Classification Summary - May 2015. Collection method: clinical testing. Allele origin: germline.
Comment: Variant summary: GJB2 c.176_191del16 (p.Gly59AlafsX18) results in a premature termination codon, predicted to cause a truncation of the encoded protein or absence of the protein due to nonsense mediated decay, which are commonly known mechanisms for disease. The variant allele was found at a frequency of 1.6e-05 in 252656 control chromosomes (gnomAD and publications). c.176_191del16 has been reported in the literature in multiple individuals affected with Autosomal Recessive Non-Syndromic Hearing Loss, in both compound heterozygous and homozygous states (e.g. Abe_2000, Kudo_2000, Snoeckx_2005, Dai_2009, Miyagawa_2013, Shi_2018). These data indicate that the variant is very likely to be associated with disease. Several publications report experimental evidence evaluating an impact on protein function, showing that the mutant protein was unable to form gap junctions with the plasma membrane, leading to retention in the endoplasmic membrane (ER) and suggesting that ER stress (ERS) and subsequent ERS-induced cell death may be reponsible for the hearing loss associated with this mutation (e.g. Zhang_2010, Shi_2018). Seven other clinical diagnostic laboratories have submitted clinical-significance assessments for this variant to ClinVar after 2014 without evidence for independent evaluation. All laboratories classified the variant as pathogenic/likely pathogenic. Based on the evidence outlined above, the variant was classified as pathogenic.

Athena Diagnostics
Classification: Pathogenic. Last evaluated: 2018-11-14. Review status: criteria provided, single submitter. Criteria: Athena Diagnostics Criteria. Collection method: clinical testing. Allele origin: germline.
Comment: The variant results in a shift of the reading frame, and is therefore predicted to result in the loss of a functional protein. Found in at least one symptomatic patient, and found in general population data that is consistent with pathogenicity.

Genomic Diagnostic Laboratory, Division of Genomic Diagnostics, Children's Hospital of Philadelphia
Classification: Pathogenic for Deafness, autosomal recessive 1A. Last evaluated: 2017-05-09. Review status: criteria provided, single submitter. Criteria: DGD Variant Analysis Guidelines. Collection method: clinical testing. Allele origin: germline. Affected: yes and no. Observed: 3 variant alleles.

Eurofins Ntd Llc (ga)
Classification: Pathogenic. Last evaluated: 2015-11-24. Review status: criteria provided, single submitter. Criteria: EGL Classification Definitions 2015. Collection method: clinical testing. Allele origin: germline. Observed: 1 variant allele, 1 heterozygote.

Juno Genomics, Hangzhou Juno Genomics, Inc
Classification: Pathogenic for Knuckle pads, deafness AND leukonychia syndrome; Autosomal dominant nonsyndromic hearing loss 3A; Autosomal recessive nonsyndromic hearing loss 1A; Autosomal dominant keratitis-ichthyosis-hearing loss syndrome; Palmoplantar keratoderma-deafness syndrome; Mutilating keratoderma. Review status: criteria provided, single submitter. Criteria: ACMG Guidelines, 2015. Collection method: clinical testing. Allele origin: germline.
Comment: Null variant in a gene where loss of function (LOF) is a known mechanism of disease.;For recessive disorders, detected in trans with a pathogenic variant.

Genetic Testing Center for Deafness, Department of Otolaryngology Head & Neck Surgery, Institute of Otolaryngology, Chinese PLA General Hospital
Classification: Pathogenic for Autosomal recessive nonsyndromic hearing loss 1A. Last evaluated: 2019-02-26. Review status: no assertion criteria provided. Collection method: case-control. Allele origin: inherited. Affected: yes. Observed: 6 variant alleles. Clinical features observed: hearing loss. Not counted in ClinVar's aggregate classification.

Counsyl
Classification: Likely pathogenic for Autosomal recessive nonsyndromic hearing loss 1A. Last evaluated: 2015-03-23. Review status: no assertion criteria provided. Collection method: clinical testing. Allele origin: unknown. Not counted in ClinVar's aggregate classification.

Literature cited by the submitters: PubMed 20095872 (cited by 5 submitters); PubMed 29665173 (cited by Dasa and Women's Health and Genetics/Laboratory Corporation of America, LabCorp); PubMed 19125024 (cited by Dasa and Labcorp Genetics (formerly Invitae), Labcorp); PubMed 10633133 (cited by 6 submitters); PubMed 19366456 (cited by Labcorp Genetics (formerly Invitae), Labcorp and Women's Health and Genetics/Laboratory Corporation of America, LabCorp); PubMed 24224790 (cited by Labcorp Genetics (formerly Invitae), Labcorp and Athena Diagnostics); PubMed 26043044 (cited by Labcorp Genetics (formerly Invitae), Labcorp); PubMed 15070423 (cited by Labcorp Genetics (formerly Invitae), Labcorp); PubMed 19371219 (cited by Labcorp Genetics (formerly Invitae), Labcorp); PubMed 22747691 (cited by Labcorp Genetics (formerly Invitae), Labcorp); PubMed 26061264 (cited by Labcorp Genetics (formerly Invitae), Labcorp); PubMed 23826813 (cited by Natera, Inc.); PubMed 39183030 (cited by Victorian Clinical Genetics Services, Murdoch Childrens Research Institute); PubMed 28428247 (cited by Victorian Clinical Genetics Services, Murdoch Childrens Research Institute); PubMed 12792423 (cited by Victorian Clinical Genetics Services, Murdoch Childrens Research Institute); PubMed 31160754 (cited by Victorian Clinical Genetics Services, Murdoch Childrens Research Institute); PubMed 20301449 (cited by Victorian Clinical Genetics Services, Murdoch Childrens Research Institute); PubMed 16380907 (cited by Women's Health and Genetics/Laboratory Corporation of America, LabCorp); PubMed 10607953 (cited by Women's Health and Genetics/Laboratory Corporation of America, LabCorp and Athena Diagnostics); PubMed 23967202 (cited by Women's Health and Genetics/Laboratory Corporation of America, LabCorp); PubMed 19043807 (cited by Athena Diagnostics); PubMed 25266519 (cited by Athena Diagnostics); PubMed 11746015 (cited by Athena Diagnostics); PubMed 21112098 (cited by Athena Diagnostics); PubMed 24013081 (cited by Counsyl).